The following is an entry in ClinVar:

NM_182493.3(MYLK3):c.1948C>T (p.His650Tyr)

Gene: MYLK3 (myosin light chain kinase 3; minus strand). Cytogenetic location: 16q11.2.
Variant type: single nucleotide variant.
Coding change: c.1948C>T on transcript NM_182493.3 (MANE Select); coding-DNA position 1948, C replaced by T.
Protein change: p.His650Tyr; replaces histidine 650 with tyrosine.
Molecular consequence: missense variant.
Genome position (GRCh38, 1-based): chr16:46,721,160, G>A on the plus strand (C>T on the coding strand, the complement: MYLK3 is on the minus strand). VCF-style: chr16-46721160-G-A. GRCh37 (hg19) VCF-style: chr16-46755072-G-A.
Other names: c.925C>T, p.His309Tyr (NM_001308301.1); short protein forms H309Y, H650Y.
Identifiers: ClinVar variation 3626495 (VCV003626495.2).
Genomic context (GRCh38, chr16:46,721,160, plus strand): 5'-GTATCTAAATAAAACCCCCTTACCTTCTGGCCAGCCCAAAGTCAATGATCTTAATTTGAT[G>A]TCCTGTCTGATTGACGCACAATATGTTCTCCGGCTGGGAAAGAAAGAAGTCTGCTTAGCC-3'
Protein context (NP_872299.2, residues 640-660): ENILCVNQTG[His650Tyr]QIKIIDFGLA

ClinVar aggregate classification (germline): Uncertain significance (1 of 4 stars; one submission).

Submission:

Labcorp Genetics (formerly Invitae), Labcorp
Classification: Uncertain significance. Last evaluated: 2025-04-11. Review status: criteria provided, single submitter. Criteria: Invitae Variant Classification Sherloc (09022015). Collection method: clinical testing. Allele origin: germline.
Comment: This sequence change replaces histidine, which is basic and polar, with tyrosine, which is neutral and polar, at codon 650 of the MYLK3 protein (p.His650Tyr). This variant is present in population databases (rs375330082, gnomAD 0.007%). This variant has not been reported in the literature in individuals affected with MYLK3-related conditions. ClinVar contains an entry for this variant (Variation ID: 3626495). An algorithm developed to predict the effect of missense changes on protein structure and function (PolyPhen-2) suggests that this variant is likely to be tolerated. In summary, the available evidence is currently insufficient to determine the role of this variant in disease. Therefore, it has been classified as a Variant of Uncertain Significance.